The following is an entry in ClinVar:

ClinVar aggregate classification (germline): Pathogenic (0 of 4 stars; one submission).

Conditions:
Fanconi anemia complementation group A (FANCA). Also called: Fanconi anemia, group A; FANCA-Related Fanconi Anemia. Identifiers: Orphanet 84, MedGen C3469521, MONDO:0009215, OMIM 227650.

Submission:

Leiden Open Variation Database
Classification: Pathogenic for Fanconi anemia complementation group A. Last evaluated: 2020-02-28. Review status: no assertion criteria provided. Collection method: curation. Allele origin: germline. Affected: yes.
Comment: Curator: Arleen D. Auerbach. Submitter to LOVD: Arleen D. Auerbach.

Literature cited by the submitters: PubMed 15523645.

NC_000016.10:g.(89805393_89808293)_(89814614_89815876)del

Gene: FANCA (FA complementation group A; minus strand). Cytogenetic location: 16q24.3.
Variant type: Deletion.
Identifiers: ClinVar variation 973983 (VCV000973983.1).